The following is an entry in ClinVar:

NM_020911.2(PLXNA4):c.5512C>T (p.Arg1838Trp)

Gene: PLXNA4 (plexin A4; minus strand). Cytogenetic location: 7q32.3.
Variant type: single nucleotide variant.
Coding change: c.5512C>T on transcript NM_020911.2 (MANE Select); coding-DNA position 5512, C replaced by T.
Protein change: p.Arg1838Trp; replaces arginine 1838 with tryptophan.
Molecular consequence: missense variant.
Genome position (GRCh38, 1-based): chr7:132,133,126, G>A on the plus strand (C>T on the coding strand, the complement: PLXNA4 is on the minus strand). VCF-style: chr7-132133126-G-A. GRCh37 (hg19) VCF-style: chr7-131817885-G-A.
Other names: c.5512C>T, p.Arg1838Trp (NM_001393897.1); short protein forms R1838W.
Identifiers: ClinVar variation 3355825 (VCV003355825.1).
Genomic context (GRCh38, chr7:132,133,126, plus strand): 5'-CCACATAGGAGAAGATCTCTGAGAGTGCACTCATGGTGTTGAACTCATTCATGTGCATCC[G>A]GGACTGCTCAGCCAGGTATGCGTTCATGTCTTGGTCGCTGATGGCTGGCATCTTCCCTAT-3'
Protein context (NP_065962.1, residues 1828-1848): DMNAYLAEQS[Arg1838Trp]MHMNEFNTMS

ClinVar aggregate classification (germline): Uncertain significance (0 of 4 stars; one submission).

Conditions:
PLXNA4-related disorder. Also called: PLXNA4-related condition.

gnomAD v4.1: 79 of 1,614,036 alleles (0.0049%); highest among the groups gnomAD compares: Non-Finnish European, 0.0065%; no homozygotes.

Submission:

PreventionGenetics, part of Exact Sciences
Classification: Uncertain significance for PLXNA4-related condition. Last evaluated: 2024-02-15. Review status: no assertion criteria provided. Collection method: clinical testing. Allele origin: germline.
Comment: The PLXNA4 c.5512C>T variant is predicted to result in the amino acid substitution p.Arg1838Trp. To our knowledge, this variant has not been reported in the literature. This variant is reported in 0.0035% of alleles in individuals of European (Non-Finnish) descent in gnomAD. At this time, the clinical significance of this variant is uncertain due to the absence of conclusive functional and genetic evidence.